The following is an entry in ClinVar:

NM_002458.3(MUC5B):c.5631T>C (p.Leu1877=)

Genes: MUC5B (mucin 5B, oligomeric mucus/gel-forming; plus strand), MUC5B-AS1 (MUC5B antisense RNA 1; minus strand). Cytogenetic location: 11p15.5.
Variant type: single nucleotide variant.
Coding change: c.5631T>C on transcript NM_002458.3 (MANE Select); coding-DNA position 5631, T replaced by C.
Protein change: p.Leu1877=; no amino-acid change (leucine 1877 retained).
Molecular consequence: synonymous variant. On other transcripts: non-coding transcript variant (1).
Genome position (GRCh38, 1-based): chr11:1,242,511, T>C. VCF-style: chr11-1242511-T-C. GRCh37 (hg19) VCF-style: chr11-1263741-T-C.
Identifiers: ClinVar variation 2641206 (VCV002641206.24), dbSNP rs367928700, ClinGen allele CA5805740.

ClinVar aggregate classification (germline): Likely benign (1 of 4 stars; one submission).

Allele frequency attached by ClinVar (database versions not stated): 1000 Genomes Project 30x 0.00031; 1000 Genomes Project 0.00040; ExAC 0.00103; TOPMed 0.00126; ESP Exome Variant Server 0.00131; gnomAD 0.00144; gnomAD exomes 0.00200.
gnomAD v4.1: 3,145 of 1,613,734 alleles (0.19%); highest among the groups gnomAD compares: Non-Finnish European, 0.24%; 6 homozygotes.

Submission:

CeGaT Center for Human Genetics Tuebingen
Classification: Likely benign. Last evaluated: 2022-12-01. Review status: criteria provided, single submitter. Criteria: CeGaT Center For Human Genetics Tuebingen Variant Classification Criteria Version 2. Collection method: clinical testing. Allele origin: germline. Affected: yes. Observed: 2 variant alleles.
Comment: MUC5B: BP4, BP7